The following is an entry in ClinVar:

NM_004656.4(BAP1):c.1238A>C (p.Asn413Thr)

Gene: BAP1 (BRCA1 associated deubiquitinase 1; minus strand). Cytogenetic location: 3p21.1.
Variant type: single nucleotide variant.
Coding change: c.1238A>C on transcript NM_004656.4 (MANE Select); coding-DNA position 1238, A replaced by C.
Protein change: p.Asn413Thr; replaces asparagine 413 with threonine.
Molecular consequence: missense variant.
Genome position (GRCh38, 1-based): chr3:52,404,465, T>G on the plus strand (A>C on the coding strand, the complement: BAP1 is on the minus strand). VCF-style: chr3-52404465-T-G. GRCh37 (hg19) VCF-style: chr3-52438481-T-G.
Other names: short protein forms N413T.
Identifiers: ClinVar variation 864032 (VCV000864032.15), dbSNP rs1231899667, ClinGen allele CA353102756.

ClinVar aggregate classification (germline): Conflicting classifications of pathogenicity. Review status: criteria provided, conflicting classifications (1 of 4 stars). 6 submissions from 6 submitters: Uncertain significance (5); Likely benign (1). Last evaluated 2025-12-08.

Conditions:
Hereditary cancer-predisposing syndrome. Also called: Neoplastic Syndromes, Hereditary; Hereditary neoplastic syndrome; Tumor predisposition; Hereditary Cancer Syndrome. Identifiers: Orphanet 140162, MedGen C0027672, MeSH D009386, MONDO:0015356.
BAP1-related tumor predisposition syndrome (TPDS1). Also called: COMMON Syndrome; BAP1 tumor predisposition syndrome; Tumor susceptibility linked to germline BAP1 mutations; TUMOR PREDISPOSITION SYNDROME 1. Identifiers: Orphanet 289539, MedGen C3280492, MONDO:0013692, OMIM 614327.

Allele frequency attached by ClinVar (database versions not stated): gnomAD 0.00001; TOPMed below 0.00001.
gnomAD v4.1: 9 of 1,613,940 alleles (0.00056%); highest among the groups gnomAD compares: Non-Finnish European, 0.00076%; no homozygotes.

Submissions (6):

Color Diagnostics, LLC DBA Color Health
Classification: Uncertain significance for Hereditary cancer-predisposing syndrome. Last evaluated: 2025-12-08. Review status: criteria provided, single submitter. Criteria: ACMG Guidelines, 2015. Collection method: clinical testing. Allele origin: germline.
Comment: This missense variant replaces asparagine with threonine at codon 413 of the BAP1 protein. Computational prediction suggests that this variant may not impact protein structure and function. To our knowledge, functional studies have not been reported for this variant. This variant has not been reported in individuals affected with hereditary cancer in the literature. This variant has not been identified in the general population by the Genome Aggregation Database (gnomAD). The available evidence is insufficient to determine the role of this variant in disease conclusively. Therefore, this variant is classified as a Variant of Uncertain Significance.

Labcorp Genetics (formerly Invitae), Labcorp
Classification: Uncertain significance for BAP1-related tumor predisposition syndrome. Last evaluated: 2025-03-26. Review status: criteria provided, single submitter. Criteria: Invitae Variant Classification Sherloc (09022015). Collection method: clinical testing. Allele origin: germline.
Comment: This sequence change replaces asparagine, which is neutral and polar, with threonine, which is neutral and polar, at codon 413 of the BAP1 protein (p.Asn413Thr). This variant is not present in population databases (gnomAD no frequency). This variant has not been reported in the literature in individuals affected with BAP1-related conditions. ClinVar contains an entry for this variant (Variation ID: 864032). Invitae Evidence Modeling of protein sequence and biophysical properties (such as structural, functional, and spatial information, amino acid conservation, physicochemical variation, residue mobility, and thermodynamic stability) indicates that this missense variant is not expected to disrupt BAP1 protein function with a negative predictive value of 80%. In summary, the available evidence is currently insufficient to determine the role of this variant in disease. Therefore, it has been classified as a Variant of Uncertain Significance.

GeneDx
Classification: Uncertain significance. Last evaluated: 2025-01-22. Review status: criteria provided, single submitter. Criteria: GeneDx Variant Classification Process June 2021. Collection method: clinical testing. Allele origin: germline.
Comment: Not observed at significant frequency in large population cohorts (gnomAD); In silico analysis indicates that this missense variant does not alter protein structure/function; Has not been previously published as pathogenic or benign to our knowledge

Quest Diagnostics Nichols Institute San Juan Capistrano
Classification: Uncertain significance. Last evaluated: 2024-10-01. Review status: criteria provided, single submitter. Criteria: Quest Diagnostics criteria. Collection method: clinical testing. Allele origin: unknown.
Comment: The BAP1 c.1238A>C (p.Asn413Thr) variant has not been reported in individuals with BAP1-related conditions in the published literature. The frequency of this variant in the general population, 0.0000066 (1/152056 chromosomes (Genome Aggregation Database)), is uninformative in the assessment of its pathogenicity. Analysis of this variant using bioinformatics tools for the prediction of the effect of amino acid changes on protein structure and function yielded predictions that this variant is benign. Based on the available information, we are unable to determine the clinical significance of this variant.

Ambry Genetics
Classification: Likely benign for Hereditary cancer-predisposing syndrome. Last evaluated: 2023-11-15. Review status: criteria provided, single submitter. Criteria: Ambry Variant Classification Scheme 2023. Collection method: clinical testing. Allele origin: germline.

Baylor Genetics
Classification: Uncertain significance for BAP1-related tumor predisposition syndrome. Last evaluated: 2023-08-23. Review status: criteria provided, single submitter. Criteria: ACMG Guidelines, 2015. Collection method: clinical testing. Allele origin: unknown.